The following is an entry in ClinVar:

NM_001370259.2(MEN1):c.1361A>C (p.Lys454Thr)

Gene: MEN1 (menin 1; minus strand). Cytogenetic location: 11q13.1.
Variant type: single nucleotide variant.
Coding change: c.1361A>C on transcript NM_001370259.2 (MANE Select); coding-DNA position 1361, A replaced by C.
Protein change: p.Lys454Thr; replaces lysine 454 with threonine.
Molecular consequence: missense variant. On other transcripts: non-coding transcript variant (4).
Genome position (GRCh38, 1-based): chr11:64,804,806, T>G on the plus strand (A>C on the coding strand, the complement: MEN1 is on the minus strand). VCF-style: chr11-64804806-T-G. GRCh37 (hg19) VCF-style: chr11-64572278-T-G.
Other names: c.1376A>C, p.Lys459Thr (NM_130802.3, NM_130803.3, NM_130804.3 and 4 more transcripts); c.1487A>C, p.Lys496Thr (NM_001370251.2, NM_001407142.1, NM_001407143.1 and 1 more transcripts); c.1361A>C, p.Lys454Thr (NM_001370260.2, NM_001370261.2, NM_001407146.1 and 2 more transcripts); c.1256A>C, p.Lys419Thr (NM_001370262.2, NM_001370263.2, NM_001407148.1 and 1 more transcripts); c.1502A>C, p.Lys501Thr (NM_001407150.1); c.1382A>C, p.Lys461Thr (NM_001407151.1); c.1196A>C, p.Lys399Thr (NM_001407152.1); short protein forms K419T, K461T, K459T, K399T, K454T, K496T, K501T.
Identifiers: ClinVar variation 2455792 (VCV002455792.3), dbSNP rs2497132294, ClinGen allele CA381179900.

ClinVar aggregate classification (germline): Uncertain significance. Review status: criteria provided, multiple submitters, no conflicts (2 of 4 stars). 2 submissions from 2 submitters: Uncertain significance (2). Last evaluated 2023-12-01.

Conditions:
Multiple endocrine neoplasia, type 1 (MEN1). Also called: MEN I; WERMER SYNDROME; MEA I; Endocrine adenomatosis multiple; MEN 1. Identifiers: Orphanet 652, MedGen C0025267, MeSH D018761, MONDO:0007540, OMIM 131100.
Hereditary cancer-predisposing syndrome. Also called: Hereditary neoplastic syndrome; Tumor predisposition; Neoplastic Syndromes, Hereditary; Hereditary Cancer Syndrome. Identifiers: Orphanet 140162, MedGen C0027672, MeSH D009386, MONDO:0015356.

Submissions (2):

All of Us Research Program, National Institutes of Health
Classification: Uncertain significance for Multiple endocrine neoplasia, type 1. Last evaluated: 2023-12-01. Review status: criteria provided, single submitter. Criteria: ACMG Guidelines, 2015. Collection method: clinical testing. Allele origin: germline. Inheritance: Autosomal dominant inheritance. Observed: 2 variant alleles, 2 heterozygotes.
Comment: This study involves interpretation of variants in research participants for the purpose of population health screening. Participant phenotype was not available at the time of variant classification. Additional details can be found in publication PMID: 35346344, PMCID: PMC8962531

Ambry Genetics
Classification: Uncertain significance for Hereditary cancer-predisposing syndrome. Last evaluated: 2023-01-18. Review status: criteria provided, single submitter. Criteria: Ambry Variant Classification Scheme 2023. Collection method: clinical testing. Allele origin: germline.
Comment: The p.K454T variant (also known as c.1361A>C), located in coding exon 9 of the MEN1 gene, results from an A to C substitution at nucleotide position 1361. The lysine at codon 454 is replaced by threonine, an amino acid with similar properties. This amino acid position is conserved. In addition, this alteration is predicted to be deleterious by in silico analysis. Since supporting evidence is limited at this time, the clinical significance of this alteration remains unclear.